The following is an entry in ClinVar:

NM_005476.7(GNE):c.455A>C (p.Lys152Thr)

Gene: GNE (glucosamine (UDP-N-acetyl)-2-epimerase/N-acetylmannosamine kinase; minus strand). Cytogenetic location: 9p13.3.
Variant type: single nucleotide variant.
Coding change: c.455A>C on transcript NM_005476.7 (MANE Select); coding-DNA position 455, A replaced by C.
Protein change: p.Lys152Thr; replaces lysine 152 with threonine.
Molecular consequence: missense variant.
Genome position (GRCh38, 1-based): chr9:36,246,192, T>G on the plus strand (A>C on the coding strand, the complement: GNE is on the minus strand). VCF-style: chr9-36246192-T-G. GRCh37 (hg19) VCF-style: chr9-36246189-T-G.
Other names: c.548A>C, p.Lys183Thr (NM_001128227.3); c.455A>C, p.Lys152Thr (NM_001190383.3, NM_001374797.1); c.278A>C, p.Lys93Thr (NM_001190384.3, NM_001190388.2, NM_001374798.1); short protein forms K152T, K183T, K93T.
Identifiers: ClinVar variation 497576 (VCV000497576.10), dbSNP rs1157107103, ClinGen allele CA373418614.

ClinVar aggregate classification (germline): Uncertain significance. Review status: criteria provided, multiple submitters, no conflicts (2 of 4 stars). 2 submissions from 2 submitters: Uncertain significance (2). Last evaluated 2022-08-09.

Conditions:
Sialuria. Also called: Sialic Acid Storage Disease; SIALURIA, FRENCH TYPE. Identifiers: Orphanet 3166, MedGen C0342853, MONDO:0010028, OMIM 269921.
GNE myopathy (NM). Also called: NONAKA DISTAL MYOPATHY; MYOPATHY, DISTAL, WITH OR WITHOUT RIMMED VACUOLES; INCLUSION BODY MYOPATHY, HEREDITARY, AUTOSOMAL RECESSIVE; INCLUSION BODY MYOPATHY 2, AUTOSOMAL RECESSIVE; IBM 2; Inclusion body myopathy autosomal recessive. Identifiers: Orphanet 602, MedGen C1853926, MONDO:0011603, OMIM 605820.

Allele frequency attached by ClinVar (database versions not stated): TOPMed below 0.00001; gnomAD 0.00001.
gnomAD v4.1: 1 of 1,614,106 alleles (0.000062%); highest among the groups gnomAD compares: African/African-American, 0.0013%; no homozygotes.

Submissions (2):

Labcorp Genetics (formerly Invitae), Labcorp
Classification: Uncertain significance for Sialuria; GNE myopathy. Last evaluated: 2022-08-09. Review status: criteria provided, single submitter. Criteria: Invitae Variant Classification Sherloc (09022015). Collection method: clinical testing. Allele origin: germline.
Comment: This variant is not present in population databases (gnomAD no frequency). This sequence change replaces lysine, which is basic and polar, with threonine, which is neutral and polar, at codon 183 of the GNE protein (p.Lys183Thr). This variant has not been reported in the literature in individuals affected with GNE-related conditions. ClinVar contains an entry for this variant (Variation ID: 497576). Algorithms developed to predict the effect of missense changes on protein structure and function (SIFT, PolyPhen-2, Align-GVGD) all suggest that this variant is likely to be disruptive. In summary, the available evidence is currently insufficient to determine the role of this variant in disease. Therefore, it has been classified as a Variant of Uncertain Significance.

Eurofins Ntd Llc (ga)
Classification: Uncertain significance. Last evaluated: 2016-10-20. Review status: criteria provided, single submitter. Criteria: EGL Classification Definitions 2015. Collection method: clinical testing. Allele origin: germline. Observed: 1 variant allele, 1 heterozygote.